The following is an entry in ClinVar:

NM_004370.6(COL12A1):c.3094C>G (p.Pro1032Ala)

Gene: COL12A1 (collagen type XII alpha 1 chain; minus strand). Cytogenetic location: 6q13.
Variant type: single nucleotide variant.
Coding change: c.3094C>G on transcript NM_004370.6 (MANE Select); coding-DNA position 3094, C replaced by G.
Protein change: p.Pro1032Ala; replaces proline 1032 with alanine.
Molecular consequence: missense variant. On other transcripts: intron variant (2).
Genome position (GRCh38, 1-based): chr6:75,156,413, G>C on the plus strand (C>G on the coding strand, the complement: COL12A1 is on the minus strand). VCF-style: chr6-75156413-G-C. GRCh37 (hg19) VCF-style: chr6-75866129-G-C.
Other names: c.3094C>G, p.Pro1032Ala (NM_001424113.1, NM_001424114.1); c.2821C>G, p.Pro941Ala (NM_001424115.1); c.74-3931C>G (NM_001424116.1, NM_080645.3); short protein forms P1032A, P941A.
Identifiers: ClinVar variation 4795009 (VCV004795009.1).

ClinVar aggregate classification (germline): Uncertain significance (1 of 4 stars; one submission).

Conditions:
Ullrich congenital muscular dystrophy 2 (UCMD2). Identifiers: Orphanet 75840, MedGen C4225314, MONDO:0014654, OMIM 616470.
Bethlem myopathy 2 (BTHLM2). Identifiers: Orphanet 536516, Orphanet 610, MedGen C4225313, MONDO:0034022, OMIM 616471.

Submission:

Labcorp Genetics (formerly Invitae), Labcorp
Classification: Uncertain significance for Bethlem myopathy 2; Ullrich congenital muscular dystrophy 2. Last evaluated: 2025-03-27. Review status: criteria provided, single submitter. Criteria: Invitae Variant Classification Sherloc (09022015). Collection method: clinical testing. Allele origin: germline.
Comment: This sequence change replaces proline, which is neutral and non-polar, with alanine, which is neutral and non-polar, at codon 1032 of the COL12A1 protein (p.Pro1032Ala). This variant is not present in population databases (gnomAD no frequency). This variant has not been reported in the literature in individuals affected with COL12A1-related conditions. Invitae Evidence Modeling of protein sequence and biophysical properties (such as structural, functional, and spatial information, amino acid conservation, physicochemical variation, residue mobility, and thermodynamic stability) indicates that this missense variant is not expected to disrupt COL12A1 protein function with a negative predictive value of 80%. In summary, the available evidence is currently insufficient to determine the role of this variant in disease. Therefore, it has been classified as a Variant of Uncertain Significance.